The following is an entry in ClinVar:

NM_000712.4(BLVRA):c.246C>T (p.Asp82=)

Gene: BLVRA (biliverdin reductase A; plus strand). Cytogenetic location: 7p13.
Variant type: single nucleotide variant.
Coding change: c.246C>T on transcript NM_000712.4 (MANE Select); coding-DNA position 246, C replaced by T.
Protein change: p.Asp82=; no amino-acid change (aspartic acid 82 retained).
Molecular consequence: synonymous variant.
Genome position (GRCh38, 1-based): chr7:43,791,360, C>T. VCF-style: chr7-43791360-C-T. GRCh37 (hg19) VCF-style: chr7-43830959-C-T.
Other names: c.246C>T, p.Asp82= (NM_001253823.2).
Identifiers: ClinVar variation 724517 (VCV000724517.9), dbSNP rs137968736, ClinGen allele CA4234036.

ClinVar aggregate classification (germline): Benign/Likely benign. Review status: criteria provided, multiple submitters, no conflicts (2 of 4 stars). 2 submissions from 2 submitters: Benign (1); Likely benign (1). Last evaluated 2026-09-08.

Conditions:
BLVRA-related disorder. Also called: BLVRA-related condition.

Allele frequency attached by ClinVar (database versions not stated): TOPMed 0.00131; ESP Exome Variant Server 0.00154; 1000 Genomes Project 0.00160; 1000 Genomes Project 30x 0.00187.
gnomAD v4.1: 349 of 1,614,176 alleles (0.022%); highest among the groups gnomAD compares: African/African-American, 0.42%; no homozygotes.

Submissions (2):

PreventionGenetics, part of Exact Sciences
Classification: Likely benign for BLVRA-related condition. Last evaluated: 2026-09-08. Review status: criteria provided, single submitter. Criteria: ACMG Guidelines, 2015. Collection method: clinical testing. Allele origin: germline.
Comment: This variant is classified as likely benign based on ACMG/AMP sequence variant interpretation guidelines (Richards et al. 2015 PMID: 25741868, with internal and published modifications).

Labcorp Genetics (formerly Invitae), Labcorp
Classification: Benign. Last evaluated: 2025-06-13. Review status: criteria provided, single submitter. Criteria: Invitae Variant Classification Sherloc (09022015). Collection method: clinical testing. Allele origin: germline.